The following is an entry in ClinVar:

ClinVar aggregate classification (germline): Pathogenic; drug response. Review status: reviewed by expert panel (3 of 4 stars). 16 submissions from 10 submitters: Pathogenic (1). 8 of the submissions do not count toward it. Last evaluated 2021-03-24.

Conditions:
Central core myopathy (CMYO1A). Also called: CONGENITAL MYOPATHY 1A, AUTOSOMAL DOMINANT, WITH SUSCEPTIBILITY TO MALIGNANT HYPERTHERMIA; Central core disease; Myopathy, central fibrillar. Identifiers: Orphanet 597, MedGen C5830701, MONDO:0007294, OMIM 117000.
Congenital multicore myopathy with external ophthalmoplegia (CMYO1B). Also called: Minicore myopathy with external ophthalmoplegia; MULTIMINICORE DISEASE WITH EXTERNAL OPHTHALMOPLEGIA; Congenital myopathy 1B, autosomal recessive; Minicore myopathy; MULTICORE MYOPATHY. Identifiers: Orphanet 598, Orphanet 98905, MedGen C1850674, MONDO:0009712, OMIM 255320, HP:0003789.
Congenital myopathy with fiber type disproportion. Also called: Congenital fiber-type disproportion myopathy; Congenital fiber-type disproportion. Identifiers: Orphanet 2020, MedGen C0546264, MONDO:0009711. Inheritance: all.
King Denborough syndrome (KDS). Identifiers: MedGen C1840365, MONDO:0020485, OMIM 619542.
Malignant hyperthermia, susceptibility to, 1 (MHS1). Also called: Anesthesia related hyperthermia; Malignant hyperpyrexia; Fulminating hyperpyrexia; Pharmacogenic myopathy; RYR1-Related Malignant Hyperthermia Susceptibility; Malignant hyperthermia suceptibility 1. Identifiers: Orphanet 423, MedGen C2930980, MONDO:0007783, OMIM 145600.
RYR1-related disorder. Also called: RYR1-related disorders; RYR1-related condition. Identifiers: MedGen CN239331.
desflurane response - Toxicity.
enflurane response - Toxicity.
halothane response - Toxicity.
succinylcholine response - Toxicity.
isoflurane response - Toxicity.
methoxyflurane response - Toxicity.
sevoflurane response - Toxicity.

Submissions 1 to 10 of 16:

ClinPGx
Classification: drug response for desflurane response - Toxicity. Last evaluated: 2021-03-24. Review status: reviewed by expert panel. Criteria: Pharmacogenomics knowledge for personalized medicine. Collection method: curation. Allele origin: germline. Affected: yes.
Comment: PharmGKB Level of Evidence 1A: Level 1A clinical annotations describe variant-drug combinations that have variant-specific prescribing guidance available in a current clinical guideline annotation or an FDA-approved drug label annotation. Annotations of drug labels or clinical guidelines must give prescribing guidance for specific variants (e.g. CYP2C9*3, HLA-B*57:01) or provide mapping from defined allele functions to diplotypes and phenotypes to be used as supporting evidence for a level 1A clinical annotation. Level 1A clinical annotations must also be supported by at least one publication in addition to a clinical guideline or drug label with variant-specific prescribing guidance.

Drug is not necessarily used to treat response condition

ClinPGx
Classification: drug response for enflurane response - Toxicity. Last evaluated: 2021-03-24. Review status: reviewed by expert panel. Criteria: Pharmacogenomics knowledge for personalized medicine. Collection method: curation. Allele origin: germline. Affected: yes.
Comment: the same text as in the submission from ClinPGx above.

ClinPGx
Classification: drug response for halothane response - Toxicity. Last evaluated: 2021-03-24. Review status: reviewed by expert panel. Criteria: Pharmacogenomics knowledge for personalized medicine. Collection method: curation. Allele origin: germline. Affected: yes.
Comment: the same text as in the submission from ClinPGx above.

ClinPGx
Classification: drug response for isoflurane response - Toxicity. Last evaluated: 2021-03-24. Review status: reviewed by expert panel. Criteria: Pharmacogenomics knowledge for personalized medicine. Collection method: curation. Allele origin: germline. Affected: yes.
Comment: the same text as in the submission from ClinPGx above.

ClinPGx
Classification: drug response for methoxyflurane response - Toxicity. Last evaluated: 2021-03-24. Review status: reviewed by expert panel. Criteria: Pharmacogenomics knowledge for personalized medicine. Collection method: curation. Allele origin: germline. Affected: yes.
Comment: the same text as in the submission from ClinPGx above.

ClinPGx
Classification: drug response for sevoflurane response - Toxicity. Last evaluated: 2021-03-24. Review status: reviewed by expert panel. Criteria: Pharmacogenomics knowledge for personalized medicine. Collection method: curation. Allele origin: germline. Affected: yes.
Comment: the same text as in the submission from ClinPGx above.

ClinPGx
Classification: drug response for succinylcholine response - Toxicity. Last evaluated: 2021-03-24. Review status: reviewed by expert panel. Criteria: Pharmacogenomics knowledge for personalized medicine. Collection method: curation. Allele origin: germline. Affected: yes.
Comment: the same text as in the submission from ClinPGx above.

ClinGen Malignant Hyperthermia Susceptibility Variant Curation Expert Panel, ClinGen
Classification: Pathogenic for Malignant hyperthermia, susceptibility to, 1. Last evaluated: 2021-03-18. Review status: reviewed by expert panel. Criteria: ClinGen MHS ACMG Specifications V1. Collection method: curation. Allele origin: germline. Inheritance: Autosomal dominant inheritance. Study: ClinGen.
Comment: This pathogenicity assessment is relevant only for malignant hyperthermia susceptibility (MHS) inherited in an autosomal dominant pattern. Variants in RYR1 can also cause other myopathies inherited in an autosomal dominant pattern or in an autosomal recessive pattern. Some of these disorders may predispose individuals to malignant hyperthermia. RYR1 variants may also contribute to a malignant hyperthermia reaction in combination with other genetic and non-genetic factors and the clinician needs to consider such factors in making management decisions. This sequence variant predicts a substitution of Arginine with Leucine at codon 614 of the RYR1 protein, p.(Arg614Leu). This variant was not present in a large population database (gnomAD) at the time this variant was interpreted. This variant has been reported in nine unrelated individuals who have a personal or family history of a malignant hyperthermia reaction, all of these individuals had a positive in vitro contracture test (IVCT) or caffeine halothane contracture test (CHCT) result (if the proband was unavailable for testing, a positive diagnostic test result in a mutation-positive relative was counted), PS4 (PMID:10051009; PMID:17710899; PMID:10484775 and others). Functional studies in HEK293 cells show an increased sensitivity to RYR1 agonists, PS3_Moderate (PMID:9334205). This variant does not reside in a hotspot for pathogenic variants that contribute to MHS. This variant segregates with MHS in seven individuals, PP1_Strong (PMID:9389851; PMID:17710899). A REVEL score >0.85 supports a pathogenic status for this variant, PP3_Moderate. This variant has been classified as Pathogenic. Criteria implemented: PS4, PS3_Moderate, PP1_Strong, PP3_Moderate.

Labcorp Genetics (formerly Invitae), Labcorp
Classification: Pathogenic for RYR1-related disorder. Last evaluated: 2025-08-24. Review status: criteria provided, single submitter. Criteria: Invitae Variant Classification Sherloc (09022015). Collection method: clinical testing. Allele origin: germline. Not counted in ClinVar's aggregate classification.
Comment: This sequence change replaces arginine, which is basic and polar, with leucine, which is neutral and non-polar, at codon 614 of the RYR1 protein (p.Arg614Leu). This variant is not present in population databases (gnomAD no frequency). This missense change has been observed in individuals with autosomal dominant malignant hyperthermia susceptibility (PMID: 9389851). It has also been observed to segregate with disease in related individuals. ClinVar contains an entry for this variant (Variation ID: 133108). Invitae Evidence Modeling of protein sequence and biophysical properties (such as structural, functional, and spatial information, amino acid conservation, physicochemical variation, residue mobility, and thermodynamic stability) indicates that this missense variant is expected to disrupt RYR1 protein function with a positive predictive value of 95%. Experimental studies have shown that this missense change affects RYR1 function (PMID: 9334205, 9873004). This variant disrupts the p.Arg614 amino acid residue in RYR1. Other variant(s) that disrupt this residue have been determined to be pathogenic (PMID: 1774074, 8602662, 10352931, 11493496, 11668625, 12411788). This suggests that this residue is clinically significant, and that variants that disrupt this residue are likely to be disease-causing. For these reasons, this variant has been classified as Pathogenic.

GeneDx
Classification: Pathogenic. Last evaluated: 2024-08-29. Review status: criteria provided, single submitter. Criteria: GeneDx Variant Classification Process June 2021. Collection method: clinical testing. Allele origin: germline. Affected: yes. Not counted in ClinVar's aggregate classification.
Comment: Reported in the published literature in association with malignant hyperthermia (PMID: 24433488, 16163667, 30236257, 9389851); Published functional studies demonstrate that this variant leads to increased channel sensitivity to caffeine and halothane (PMID: 9334205); In silico analysis supports that this missense variant has a deleterious effect on protein structure/function; Not observed at significant frequency in large population cohorts (gnomAD); This variant is associated with the following publications: (PMID: 1774074, 28289592, 21795085, 9873004, 26398623, 8602662, 11493496, 31447099, 10352931, 33625594, 11668625, 12411788, 10484775, 9389851, 31206373, 26115329, 24433488, 16163667, 30236257, 31321302, 9334205)

NM_000540.3(RYR1):c.1841G>T (p.Arg614Leu)

Gene: RYR1 (ryanodine receptor 1; plus strand). Cytogenetic location: 19q13.2.
Variant type: single nucleotide variant.
Coding change: c.1841G>T on transcript NM_000540.3 (MANE Select); coding-DNA position 1841, G replaced by T.
Protein change: p.Arg614Leu; replaces arginine 614 with leucine.
Molecular consequence: missense variant.
Genome position (GRCh38, 1-based): chr19:38,457,546, G>T. VCF-style: chr19-38457546-G-T. GRCh37 (hg19) VCF-style: chr19-38948186-G-T.
Other names: NM_000540.2(RYR1):c.1841G>T; c.1841G>T, p.Arg614Leu (NM_001042723.2); short protein forms R614L.
Identifiers: ClinVar variation 133108 (VCV000133108.25), dbSNP rs193922772, ClinGen allele CA024313.